The following is an entry in ClinVar:

ClinVar aggregate classification (germline): Conflicting classifications of pathogenicity. Review status: criteria provided, conflicting classifications (1 of 4 stars). 2 submissions from 2 submitters: Likely pathogenic (1); Uncertain significance (1). Last evaluated 2023-12-28.

Conditions:
Hereditary cancer-predisposing syndrome. Also called: Neoplastic Syndromes, Hereditary; Tumor predisposition; Hereditary Cancer Syndrome; Hereditary neoplastic syndrome. Identifiers: Orphanet 140162, MedGen C0027672, MeSH D009386, MONDO:0015356.
Lynch syndrome 5 (LYNCH5). Also called: Colorectal cancer, hereditary nonpolyposis, type 5; Hereditary non-polyposis colorectal cancer, type 5. Identifiers: Orphanet 144, MedGen C1833477, MONDO:0013710, OMIM 614350. Disease mechanism: loss of function.

Submissions (2):

Myriad Genetics, Inc.
Classification: Likely pathogenic for Lynch syndrome 5. Last evaluated: 2023-12-28. Review status: criteria provided, single submitter. Criteria: Myriad Autosomal Dominant, Autosomal Recessive and X-Linked Classification Criteria (2023). Collection method: clinical testing. Allele origin: unknown.
Comment: This variant is considered likely pathogenic. This variant creates a frameshift predicted to result in premature protein truncation.

Ambry Genetics
Classification: Uncertain significance for Hereditary cancer-predisposing syndrome. Last evaluated: 2021-03-24. Review status: criteria provided, single submitter. Criteria: Ambry Variant Classification Scheme 2023. Collection method: clinical testing. Allele origin: germline.
Comment: The c.3980_3983delATCA variant, located in coding exon 9 of the MSH6 gene, results from a deletion of 4 nucleotides at nucleotide positions 3980 to 3983, causing a translational frameshift with a predicted alternate stop codon (p.N1327Sfs*18). This alteration occurs at the 3' terminus of theMSH6 gene, is not expected to trigger nonsense-mediated mRNAdecay, and only impacts the last 34 amino acids of the protein. The exact functional effect of this alteration is unknown. Since supporting evidence is limited at this time, the clinical significance of this alteration remains unclear.

NM_000179.3(MSH6):c.3980_3983del (p.Asn1327fs)

Gene: MSH6 (mutS homolog 6; plus strand). Cytogenetic location: 2p16.3.
Variant type: Deletion.
Coding change: c.3980_3983del on transcript NM_000179.3 (MANE Select); coding-DNA positions 3980 to 3983, 4 bases deleted (ATCA; older notation c.3980_3983delATCA).
Protein change: p.Asn1327fs; shifts the reading frame from asparagine 1327.
Molecular consequence: frameshift variant.
Genome position (GRCh38, 1-based): chr2:47,806,630-47,806,633, ATCA deleted; deleting any 4 consecutive bases within chr2:47,806,629-47,806,633 gives the same sequence; the c. name uses the placement nearest the transcript's 3' end. VCF-style (leftmost placement, unchanged base first): chr2-47806628-GAATC-G. GRCh37 (hg19) VCF-style: chr2-48033767-GAATC-G.
Other names: c.3074_3077delATCA, p.Asn1025Serfs (NM_001406814.1, NM_001406815.1, NM_001406816.1 and 4 more transcripts); c.2414_2417delATCA, p.Asn805Serfs (NM_001406817.1); c.3683_3686delATCA, p.Asn1228Serfs (NM_001406818.1, NM_001406819.1, NM_001406820.1 and 10 more transcripts); c.3812_3815delATCA, p.Asn1271Serfs (NM_001406826.1); c.761_764delATCA, p.Asn254Serfs (NM_001406831.1); c.827_830delATCA, p.Asn276Serfs (NM_001406832.1); c.1925_1928delATCA, p.Asn642Serfs (NM_001407362.1); c.3590_3593del, p.Asn1197fs (NM_001281492.2); and 9 more; short protein forms N1025fs, N1197fs, N1327fs.
Identifiers: ClinVar variation 1736698 (VCV001736698.2), dbSNP rs1553333738, ClinGen allele CA2580067529.